The following is an entry in ClinVar:

ClinVar aggregate classification (germline): Conflicting classifications of pathogenicity. Review status: criteria provided, conflicting classifications (1 of 4 stars). 2 submissions from 2 submitters: Uncertain significance (1); Likely benign (1). Last evaluated 2025-10-02.

gnomAD v4.1: 13 of 1,546,142 alleles (0.00084%); highest among the groups gnomAD compares: Non-Finnish European, 0.0011%; no homozygotes.

Submissions (2):

Labcorp Genetics (formerly Invitae), Labcorp
Classification: Uncertain significance. Last evaluated: 2025-10-02. Review status: criteria provided, single submitter. Criteria: Invitae Variant Classification Sherloc (09022015). Collection method: clinical testing. Allele origin: germline.
Comment: This sequence change affects codon 44 of the PHIP mRNA. It is a 'silent' change, meaning that it does not change the encoded amino acid sequence of the PHIP protein. It affects a nucleotide within the consensus splice site. The frequency data for this variant in the population databases is considered unreliable, as metrics indicate poor data quality at this position in the gnomAD database. This variant has not been reported in the literature in individuals affected with PHIP-related conditions. ClinVar contains an entry for this variant (Variation ID: 3674253). Algorithms developed to predict the effect of sequence changes on RNA splicing suggest that this variant is not likely to affect RNA splicing. In summary, the available evidence is currently insufficient to determine the role of this variant in disease. Therefore, it has been classified as a Variant of Uncertain Significance.

CeGaT Center for Human Genetics Tuebingen
Classification: Likely benign. Last evaluated: 2025-04-01. Review status: criteria provided, single submitter. Criteria: CeGaT Center For Human Genetics Tuebingen Variant Classification Criteria Version 2. Collection method: clinical testing. Allele origin: germline. Affected: yes. Observed: 2 variant alleles.
Comment: PHIP: BP4, BP7

NM_017934.7(PHIP):c.130C>T (p.Leu44=)

Gene: PHIP (PHIP subunit of CUL4-Ring ligase complex; minus strand). Cytogenetic location: 6q14.1.
Variant type: single nucleotide variant.
Coding change: c.130C>T on transcript NM_017934.7 (MANE Select); coding-DNA position 130, C replaced by T.
Protein change: p.Leu44=; no amino-acid change (leucine 44 retained).
Molecular consequence: synonymous variant.
Genome position (GRCh38, 1-based): chr6:79,077,507, G>A on the plus strand (C>T on the coding strand, the complement: PHIP is on the minus strand). VCF-style: chr6-79077507-G-A. GRCh37 (hg19) VCF-style: chr6-79787224-G-A.
Identifiers: ClinVar variation 3674253 (VCV003674253.9).